The following is an entry in ClinVar:

NM_052844.4(DYNC2I2):c.1214+5G>A

Gene: DYNC2I2 (dynein 2 intermediate chain 2; minus strand). Cytogenetic location: 9q34.11.
Variant type: single nucleotide variant.
Coding change: c.1214+5G>A on transcript NM_052844.4 (MANE Select); 5 bases into the intron after coding-DNA position 1214, G replaced by A.
Molecular consequence: intron variant.
Genome position (GRCh38, 1-based): chr9:128,634,684, C>T on the plus strand (G>A on the coding strand, the complement: DYNC2I2 is on the minus strand). VCF-style: chr9-128634684-C-T. GRCh37 (hg19) VCF-style: chr9-131396963-C-T.
Identifiers: ClinVar variation 2197381 (VCV002197381.1), dbSNP rs746024280, ClinGen allele CA5266307.

ClinVar aggregate classification (germline): Uncertain significance (1 of 4 stars; one submission).

Conditions:
Short-rib thoracic dysplasia 11 with or without polydactyly (SRTD11). Also called: SHORT-RIB THORACIC DYSPLASIA 11 WITHOUT POLYDACTYLY. Identifiers: Orphanet 474, Orphanet 93271, MedGen C3810200, MONDO:0014287, OMIM 615633.

gnomAD v4.1: 94 of 1,544,790 alleles (0.0061%); highest among the groups gnomAD compares: South Asian, 0.05%; no homozygotes.

Submission:

Labcorp Genetics (formerly Invitae), Labcorp
Classification: Uncertain significance for Short-rib thoracic dysplasia 11 with or without polydactyly. Last evaluated: 2022-05-20. Review status: criteria provided, single submitter. Criteria: Invitae Variant Classification Sherloc (09022015). Collection method: clinical testing. Allele origin: germline.
Comment: This sequence change falls in intron 7 of the WDR34 gene. It does not directly change the encoded amino acid sequence of the WDR34 protein. It affects a nucleotide within the consensus splice site. This variant is present in population databases (rs746024280, gnomAD 0.02%). This variant has not been reported in the literature in individuals affected with WDR34-related conditions. Variants that disrupt the consensus splice site are a relatively common cause of aberrant splicing (PMID: 17576681, 9536098). Algorithms developed to predict the effect of sequence changes on RNA splicing suggest that this variant may create or strengthen a splice site. In summary, the available evidence is currently insufficient to determine the role of this variant in disease. Therefore, it has been classified as a Variant of Uncertain Significance.

Literature cited by the submitters: PubMed 17576681; PubMed 9536098.